The following is an entry in ClinVar:

ClinVar aggregate classification (germline): Uncertain significance. Review status: criteria provided, multiple submitters, no conflicts (2 of 4 stars). 2 submissions from 2 submitters: Uncertain significance (2). Last evaluated 2025-10-24.

Conditions:
Inborn genetic diseases. Identifiers: MedGen C0950123, MeSH D030342.

Submissions (2):

Ambry Genetics
Classification: Uncertain significance for Inborn genetic diseases. Last evaluated: 2025-10-24. Review status: criteria provided, single submitter. Criteria: Ambry Variant Classification Scheme 2023. Collection method: clinical testing. Allele origin: germline.

Labcorp Genetics (formerly Invitae), Labcorp
Classification: Uncertain significance. Last evaluated: 2022-06-05. Review status: criteria provided, single submitter. Criteria: Invitae Variant Classification Sherloc (09022015). Collection method: clinical testing. Allele origin: germline.
Comment: This sequence change replaces alanine, which is neutral and non-polar, with threonine, which is neutral and polar, at codon 205 of the SLC16A1 protein (p.Ala205Thr). This variant is not present in population databases (gnomAD no frequency). This variant has not been reported in the literature in individuals affected with SLC16A1-related conditions. Algorithms developed to predict the effect of missense changes on protein structure and function output the following: SIFT: "Tolerated"; PolyPhen-2: "Benign"; Align-GVGD: "Class C0". The threonine amino acid residue is found in multiple mammalian species, which suggests that this missense change does not adversely affect protein function. In summary, the available evidence is currently insufficient to determine the role of this variant in disease. Therefore, it has been classified as a Variant of Uncertain Significance.

NM_003051.4(SLC16A1):c.613G>A (p.Ala205Thr)

Gene: SLC16A1 (solute carrier family 16 member 1; minus strand). Cytogenetic location: 1p13.2.
Variant type: single nucleotide variant.
Coding change: c.613G>A on transcript NM_003051.4 (MANE Select); coding-DNA position 613, G replaced by A.
Protein change: p.Ala205Thr; replaces alanine 205 with threonine.
Molecular consequence: missense variant.
Genome position (GRCh38, 1-based): chr1:112,917,793, C>T on the plus strand (G>A on the coding strand, the complement: SLC16A1 is on the minus strand). VCF-style: chr1-112917793-C-T. GRCh37 (hg19) VCF-style: chr1-113460415-C-T.
Other names: c.613G>A, p.Ala205Thr (NM_001166496.2); c.613G>A (NM_003051.3); short protein forms A205T.
Identifiers: ClinVar variation 1998347 (VCV001998347.5), dbSNP rs1648569070, ClinGen allele CA341828599.